The following is an entry in ClinVar:

ClinVar aggregate classification (germline): Uncertain significance (1 of 4 stars; one submission).

Conditions:
Cardiovascular phenotype. Identifiers: MedGen CN230736.

Submission:

Ambry Genetics
Classification: Uncertain significance for Cardiovascular phenotype. Last evaluated: 2017-12-22. Review status: criteria provided, single submitter. Criteria: Ambry Variant Classification Scheme 2023. Collection method: clinical testing. Allele origin: germline.
Comment: The p.Y374C variant (also known as c.1121A>G), located in coding exon 13 of the RYR2 gene, results from an A to G substitution at nucleotide position 1121. The tyrosine at codon 374 is replaced by cysteine, an amino acid with highly dissimilar properties. This amino acid position is highly conserved in available vertebrate species. In addition, this alteration is predicted to be deleterious by in silico analysis. Since supporting evidence is limited at this time, the clinical significance of this alteration remains unclear.

NM_001035.3(RYR2):c.1121A>G (p.Tyr374Cys)

Gene: RYR2 (ryanodine receptor 2; plus strand). Cytogenetic location: 1q43.
Variant type: single nucleotide variant.
Coding change: c.1121A>G on transcript NM_001035.3 (MANE Select); coding-DNA position 1121, A replaced by G.
Protein change: p.Tyr374Cys; replaces tyrosine 374 with cysteine.
Molecular consequence: missense variant.
Genome position (GRCh38, 1-based): chr1:237,441,434, A>G. VCF-style: chr1-237441434-A-G. GRCh37 (hg19) VCF-style: chr1-237604734-A-G.
Other names: short protein forms Y374C.
Identifiers: ClinVar variation 1797864 (VCV001797864.2), dbSNP rs2528322578, ClinGen allele CA345376438.